The following is an entry in ClinVar:

ClinVar aggregate classification (germline): Uncertain significance (0 of 4 stars; one submission).

Conditions:
PCNT-related disorder. Also called: PCNT-related condition.

Submission:

PreventionGenetics, part of Exact Sciences
Classification: Uncertain significance for PCNT-related condition. Last evaluated: 2024-04-10. Review status: no assertion criteria provided. Collection method: clinical testing. Allele origin: germline.
Comment: The PCNT c.238G>A variant is predicted to result in the amino acid substitution p.Asp80Asn. To our knowledge, this variant has not been reported in the literature. This variant is reported in 0.0029% of alleles in individuals of Latino descent in gnomAD. At this time, the clinical significance of this variant is uncertain due to the absence of conclusive functional and genetic evidence.

NM_006031.6(PCNT):c.238G>A (p.Asp80Asn)

Gene: PCNT (pericentrin; plus strand). Cytogenetic location: 21q22.3.
Variant type: single nucleotide variant.
Coding change: c.238G>A on transcript NM_006031.6 (MANE Select); coding-DNA position 238, G replaced by A.
Protein change: p.Asp80Asn; replaces aspartic acid 80 with asparagine.
Molecular consequence: missense variant. On other transcripts: 5 prime UTR variant (1).
Genome position (GRCh38, 1-based): chr21:46,326,560, G>A. VCF-style: chr21-46326560-G-A. GRCh37 (hg19) VCF-style: chr21-47746474-G-A.
Other names: c.-117G>A (NM_001315529.2); short protein forms D80N.
Identifiers: ClinVar variation 3357627 (VCV003357627.1).